The following is an entry in ClinVar:

NM_020719.3(PRR12):c.5831C>T (p.Thr1944Met)

Gene: PRR12 (proline rich 12; plus strand). Cytogenetic location: 19q13.33.
Variant type: single nucleotide variant.
Coding change: c.5831C>T on transcript NM_020719.3 (MANE Select); coding-DNA position 5831, C replaced by T.
Protein change: p.Thr1944Met; replaces threonine 1944 with methionine.
Molecular consequence: missense variant.
Genome position (GRCh38, 1-based): chr19:49,624,953, C>T. VCF-style: chr19-49624953-C-T. GRCh37 (hg19) VCF-style: chr19-50128210-C-T.
Other names: short protein forms T1944M.
Identifiers: ClinVar variation 3359742 (VCV003359742.2).

ClinVar aggregate classification (germline): Uncertain significance. Review status: criteria provided, multiple submitters, no conflicts (2 of 4 stars). 2 submissions from 2 submitters: Uncertain significance (2). Last evaluated 2025-09-01.

Conditions:
Inborn genetic diseases. Identifiers: MedGen C0950123, MeSH D030342.

Submissions (2):

Ambry Genetics
Classification: Uncertain significance for Inborn genetic diseases. Last evaluated: 2025-09-01. Review status: criteria provided, single submitter. Criteria: Ambry Variant Classification Scheme 2023. Collection method: clinical testing. Allele origin: germline.

GeneDx
Classification: Uncertain significance. Last evaluated: 2023-06-13. Review status: criteria provided, single submitter. Criteria: GeneDx Variant Classification Process June 2021. Collection method: clinical testing. Allele origin: germline. Affected: yes.
Comment: Not observed at significant frequency in large population cohorts (gnomAD); In silico analysis supports that this missense variant has a deleterious effect on protein structure/function; Has not been previously published as pathogenic or benign to our knowledge